The following is an entry in ClinVar:

NM_182925.5(FLT4):c.3179G>A (p.Arg1060Gln)

Gene: FLT4 (fms related receptor tyrosine kinase 4; minus strand). Cytogenetic location: 5q35.3.
Variant type: single nucleotide variant.
Coding change: c.3179G>A on transcript NM_182925.5 (MANE Select); coding-DNA position 3179, G replaced by A.
Protein change: p.Arg1060Gln; replaces arginine 1060 with glutamine.
Molecular consequence: missense variant.
Genome position (GRCh38, 1-based): chr5:180,616,407, C>T on the plus strand (G>A on the coding strand, the complement: FLT4 is on the minus strand). VCF-style: chr5-180616407-C-T. GRCh37 (hg19) VCF-style: chr5-180043407-C-T.
Other names: c.3179G>A, p.Arg1060Gln (NM_001354989.2, NM_002020.5); short protein forms R1060Q.
Identifiers: ClinVar variation 2501818 (VCV002501818.2), dbSNP rs757396801, ClinGen allele CA3605970.

ClinVar aggregate classification (germline): Uncertain significance. Review status: criteria provided, multiple submitters, no conflicts (2 of 4 stars). 2 submissions from 2 submitters: Uncertain significance (2). Last evaluated 2022-11-09.

Conditions:
Congenital heart defects, multiple types, 7. Identifiers: MedGen C5394062, MONDO:0032913, OMIM 618780.
Capillary infantile hemangioma. Also called: HEMANGIOMA, HEREDITARY CAPILLARY; Hemangioma, capillary infantile, somatic; Hereditary capillary infantile hemangioma. Identifiers: MedGen C1865871, MONDO:0011191, OMIM 602089.
Hereditary lymphedema type I (LMPHM1). Also called: Milroy Disease; LYMPHATIC MALFORMATION 1; Nonne-Milroy disease; Congenital hereditary lymphedema; Early onset lymphedema; Hereditary lymphedema 1. Identifiers: Orphanet 79452, MedGen C1704423, MONDO:0007919, OMIM 153100.

Allele frequency attached by ClinVar (database versions not stated): gnomAD exomes 0.00002; TOPMed 0.00003; gnomAD 0.00005; ExAC 0.00007.
gnomAD v4.1: 38 of 1,613,922 alleles (0.0024%); highest among the groups gnomAD compares: Admixed American, 0.05%; 1 homozygote.

Submissions (2):

GeneDx
Classification: Uncertain significance. Last evaluated: 2022-11-09. Review status: criteria provided, single submitter. Criteria: GeneDx Variant Classification Process June 2021. Collection method: clinical testing. Allele origin: germline. Affected: yes.
Comment: In silico analysis supports that this missense variant has a deleterious effect on protein structure/function; Has not been previously published as pathogenic or benign to our knowledge; This variant is associated with the following publications: (PMID: 11114740, 10835628)

Molecular Genetics Lab, CHRU Brest
Classification: Uncertain significance for Congenital heart defects, multiple types, 7; Capillary infantile hemangioma; Hereditary lymphedema type I. Review status: criteria provided, single submitter. Criteria: ACMG Guidelines, 2015. Collection method: clinical testing. Allele origin: maternal. Affected: yes.